The following is an entry in ClinVar:

NM_001036.6(RYR3):c.2317G>A (p.Gly773Arg)

Gene: RYR3 (ryanodine receptor 3; plus strand). Cytogenetic location: 15q14.
Variant type: single nucleotide variant.
Coding change: c.2317G>A on transcript NM_001036.6 (MANE Select); coding-DNA position 2317, G replaced by A.
Protein change: p.Gly773Arg; replaces glycine 773 with arginine.
Molecular consequence: missense variant.
Genome position (GRCh38, 1-based): chr15:33,613,335, G>A. VCF-style: chr15-33613335-G-A. GRCh37 (hg19) VCF-style: chr15-33905536-G-A.
Other names: c.2317G>A, p.Gly773Arg (NM_001243996.4); short protein forms G773R.
Identifiers: ClinVar variation 848670 (VCV000848670.9), dbSNP rs745473265, ClinGen allele CA7458384.

ClinVar aggregate classification (germline): Uncertain significance (1 of 4 stars; one submission).

Conditions:
Epileptic encephalopathy. Identifiers: MedGen C0543888, HP:0200134.

Allele frequency attached by ClinVar (database versions not stated): TOPMed below 0.00001; ExAC 0.00001; gnomAD 0.00001; gnomAD exomes 0.00001.
gnomAD v4.1: 4 of 1,612,746 alleles (0.00025%); highest among the groups gnomAD compares: South Asian, 0.0011%; no homozygotes.

Submission:

Labcorp Genetics (formerly Invitae), Labcorp
Classification: Uncertain significance for Epileptic encephalopathy. Last evaluated: 2024-01-15. Review status: criteria provided, single submitter. Criteria: Invitae Variant Classification Sherloc (09022015). Collection method: clinical testing. Allele origin: germline.
Comment: This sequence change replaces glycine, which is neutral and non-polar, with arginine, which is basic and polar, at codon 773 of the RYR3 protein (p.Gly773Arg). The frequency data for this variant in the population databases is considered unreliable, as metrics indicate poor data quality at this position in the gnomAD database. This variant has not been reported in the literature in individuals affected with RYR3-related conditions. ClinVar contains an entry for this variant (Variation ID: 848670). An algorithm developed to predict the effect of missense changes on protein structure and function (PolyPhen-2) suggests that this variant is likely to be disruptive. In summary, the available evidence is currently insufficient to determine the role of this variant in disease. Therefore, it has been classified as a Variant of Uncertain Significance.